The following is an entry in ClinVar:

NM_001845.6(COL4A1):c.4804G>A (p.Gly1602Ser)

Gene: COL4A1 (collagen type IV alpha 1 chain; minus strand). Cytogenetic location: 13q34.
Variant type: single nucleotide variant.
Coding change: c.4804G>A on transcript NM_001845.6 (MANE Select); coding-DNA position 4804, G replaced by A.
Protein change: p.Gly1602Ser; replaces glycine 1602 with serine.
Molecular consequence: missense variant.
Genome position (GRCh38, 1-based): chr13:110,152,458, C>T on the plus strand (G>A on the coding strand, the complement: COL4A1 is on the minus strand). VCF-style: chr13-110152458-C-T. GRCh37 (hg19) VCF-style: chr13-110804805-C-T.
Other names: short protein forms G1602S.
Identifiers: ClinVar variation 4849961 (VCV004849961.1).
Genomic context (GRCh38, chr13:110,152,458, plus strand): 5'-AGGTCCCACGGCCGTGACACTCGATGAATGGCGCACTTCTAAACTCCTCCAGGCAGGAGC[C>T]GGGGGACGCCAGGGCTTGGCCAGAGCCTTCTGCACCAGCGCTGGTGTGCTGCAGAACAGA-3'
Protein context (NP_001836.3, residues 1592-1612): EGSGQALASP[Gly1602Ser]SCLEEFRSAP

ClinVar aggregate classification (germline): Likely pathogenic (1 of 4 stars; one submission).

Conditions:
Autosomal dominant COL4A1-related disorders.

gnomAD v4.1: 2 of 1,613,892 alleles (0.00012%); highest among the groups gnomAD compares: African/African-American, 0.0013%; no homozygotes.

Submission:

Variantyx, Inc.
Classification: Likely pathogenic for Autosomal dominant COL4A1-related disorders. Last evaluated: 2025-08-22. Review status: criteria provided, single submitter. Criteria: Variantyx Assertion Criteria 2022. Collection method: clinical testing. Allele origin: germline. Inheritance: Autosomal dominant inheritance. Affected: no.
Comment: This is a nonsynonymous variant in the COL4A1 gene (OMIM: 120130). Pathogenic variants in this gene have been associated with autosomal dominant COL4A1-related disorders. This variant replaces a glycine residue in the repetitive Gly-X-Y sequence of the triple helical domain, which disrupts the structure of fibrillar collagen and is a common disease mechanism in collagenopathies (PMID: 7695699, 8218237, 19344236) (PM1_Strong) ad multiple computational algorithms predict a deleterious effect for this variant (REVEL score: 0.949) (PP3). This variant has a 0.0013% maximum allele frequency in non-founder control populations (PM2). and t has not been reported in individuals with COL4A1-related disorders in the databases available for review. Based on the current evidence, this variant is classified as likely pathogenic for autosomal dominant COL4A1-related disorders.

Literature cited by the submitters: PubMed 28098982; PubMed 7695699; PubMed 8218237; PubMed 19344236.